The following is an entry in ClinVar:

ClinVar aggregate classification (germline): Uncertain significance (1 of 4 stars; one submission).

Conditions:
Inborn genetic diseases. Identifiers: MedGen C0950123, MeSH D030342.

Allele frequency attached by ClinVar (database versions not stated): ExAC 0.00002; gnomAD 0.00003; gnomAD exomes 0.00003; TOPMed 0.00003.
gnomAD v4.1: 58 of 1,613,832 alleles (0.0036%); highest among the groups gnomAD compares: Non-Finnish European, 0.0042%; no homozygotes.

Submission:

Ambry Genetics
Classification: Uncertain significance for Inborn genetic diseases. Last evaluated: 2020-11-13. Review status: criteria provided, single submitter. Criteria: Ambry Variant Classification Scheme 2023. Collection method: clinical testing. Allele origin: germline.
Comment: The c.793A>G (p.M265V) alteration is located in exon 9 (coding exon 9) of the TRAIP gene. This alteration results from a A to G substitution at nucleotide position 793, causing the methionine (M) at amino acid position 265 to be replaced by a valine (V). Based on data from the Genome Aggregation Database (gnomAD) database, the TRAIP c.793A>G alteration was observed in 0.003% (8/282774) of total alleles studied, with a frequency of 0.006% (8/129116) in the European (non-Finnish) subpopulation. This amino acid position is poorly conserved in available vertebrate species. The p.M265V alteration is predicted to be tolerated by in silico analysis. Based on insufficient or conflicting evidence, the clinical significance of this alteration remains unclear.

NM_005879.3(TRAIP):c.793A>G (p.Met265Val)

Gene: TRAIP (TRAF interacting protein; minus strand). Cytogenetic location: 3p21.31.
Variant type: single nucleotide variant.
Coding change: c.793A>G on transcript NM_005879.3 (MANE Select); coding-DNA position 793, A replaced by G.
Protein change: p.Met265Val; replaces methionine 265 with valine.
Molecular consequence: missense variant.
Genome position (GRCh38, 1-based): chr3:49,840,286, T>C on the plus strand (A>G on the coding strand, the complement: TRAIP is on the minus strand). VCF-style: chr3-49840286-T-C. GRCh37 (hg19) VCF-style: chr3-49877719-T-C.
Other names: short protein forms M265V.
Identifiers: ClinVar variation 2227913 (VCV002227913.2), dbSNP rs749187812, ClinGen allele CA2407706.
Genomic context (GRCh38, chr3:49,840,286, plus strand): 5'-GCTCTGGGAGGGCACACAAACCACCCCTCATTCCTGTCAAGCCAGGGATGTCCCTCACCA[T>C]GATTTCCTTGTCAGCACTCTGTAAGTCCTTCTGGGCTGACTTCAGTTCTAACTTGGCCTG-3'
Protein context (NP_005870.2, residues 255-275): KDLQSADKEI[Met265Val]SLKKKLTMLQ